The following is an entry in ClinVar:

ClinVar aggregate classification (germline): Uncertain significance (1 of 4 stars; one submission).

Allele frequency attached by ClinVar (database versions not stated): gnomAD exomes below 0.00001.
gnomAD v4.1: 1 of 1,613,390 alleles (0.000062%); highest among the groups gnomAD compares: East Asian, 0.0022%; no homozygotes.

Submission:

Labcorp Genetics (formerly Invitae), Labcorp
Classification: Uncertain significance. Last evaluated: 2020-06-19. Review status: criteria provided, single submitter. Criteria: Invitae Variant Classification Sherloc (09022015). Collection method: clinical testing. Allele origin: germline.
Comment: This sequence change replaces glutamine with arginine at codon 68 of the MAPKAPK3 protein (p.Gln68Arg). The glutamine residue is highly conserved and there is a small physicochemical difference between glutamine and arginine. This variant is not present in population databases (ExAC no frequency). In summary, the available evidence is currently insufficient to determine the role of this variant in disease. Therefore, it has been classified as a Variant of Uncertain Significance. Algorithms developed to predict the effect of missense changes on protein structure and function output the following: SIFT: "Deleterious"; PolyPhen-2: "Benign"; Align-GVGD: "Class C35". The arginine amino acid residue is found in multiple mammalian species, suggesting that this missense change does not adversely affect protein function. These predictions have not been confirmed by published functional studies and their clinical significance is uncertain. This variant has not been reported in the literature in individuals with MAPKAPK3-related conditions.

NM_001243925.2(MAPKAPK3):c.203A>G (p.Gln68Arg)

Gene: MAPKAPK3 (MAPK activated protein kinase 3; plus strand). Cytogenetic location: 3p21.2.
Variant type: single nucleotide variant.
Coding change: c.203A>G on transcript NM_001243925.2 (MANE Select); coding-DNA position 203, A replaced by G.
Protein change: p.Gln68Arg; replaces glutamine 68 with arginine.
Molecular consequence: missense variant.
Genome position (GRCh38, 1-based): chr3:50,617,768, A>G. VCF-style: chr3-50617768-A-G. GRCh37 (hg19) VCF-style: chr3-50655199-A-G.
Other names: c.203A>G, p.Gln68Arg (NM_001243926.2, NM_004635.5); short protein forms Q68R.
Identifiers: ClinVar variation 859513 (VCV000859513.8), dbSNP rs1296010021, ClinGen allele CA352961684.